The following is an entry in ClinVar:

ClinVar aggregate classification (germline): Uncertain significance (1 of 4 stars; one submission).

Allele frequency attached by ClinVar (database versions not stated): gnomAD exomes below 0.00001.
gnomAD v4.1: 2 of 1,614,094 alleles (0.00012%); highest among the groups gnomAD compares: Admixed American, 0.0033%; no homozygotes.

Submission:

Labcorp Genetics (formerly Invitae), Labcorp
Classification: Uncertain significance. Last evaluated: 2023-06-22. Review status: criteria provided, single submitter. Criteria: Invitae Variant Classification Sherloc (09022015). Collection method: clinical testing. Allele origin: germline.
Comment: This sequence change replaces methionine, which is neutral and non-polar, with threonine, which is neutral and polar, at codon 64 of the MMP13 protein (p.Met64Thr). This variant is present in population databases (no rsID available, gnomAD 0.006%). This variant has not been reported in the literature in individuals affected with MMP13-related conditions. Advanced modeling of protein sequence and biophysical properties (such as structural, functional, and spatial information, amino acid conservation, physicochemical variation, residue mobility, and thermodynamic stability) performed at Invitae indicates that this missense variant is not expected to disrupt MMP13 protein function. In summary, the available evidence is currently insufficient to determine the role of this variant in disease. Therefore, it has been classified as a Variant of Uncertain Significance.

NM_002427.4(MMP13):c.191T>C (p.Met64Thr)

Genes: MMP13 (matrix metallopeptidase 13; minus strand), LOC126861318 (BRD4-independent group 4 enhancer GRCh37_chr11:102825894-102827093; plus strand). Cytogenetic location: 11q22.2.
Variant type: single nucleotide variant.
Coding change: c.191T>C on transcript NM_002427.4 (MANE Select); coding-DNA position 191, T replaced by C.
Protein change: p.Met64Thr; replaces methionine 64 with threonine.
Molecular consequence: missense variant.
Genome position (GRCh38, 1-based): chr11:102,955,423, A>G on the plus strand (T>C on the coding strand, the complement: MMP13 is on the minus strand). VCF-style: chr11-102955423-A-G. GRCh37 (hg19) VCF-style: chr11-102826152-A-G.
Other names: short protein forms M64T.
Identifiers: ClinVar variation 2715356 (VCV002715356.3), dbSNP rs1346084530, ClinGen allele CA382232964.
Genomic context (GRCh38, chr11:102,955,423, plus strand): 5'-TCAAGTTTGCCAGTCACCTCTAAGCCGAAGAAAGACTGCATTTCTCGGAGCCTCTCAGTC[A>G]TGGAGCTTGCTGCATTCTCCTTCAGGATTCCCGCGAGATTTGTAGGATGGTAGTATGATC-3'
Protein context (NP_002418.1, residues 54-74): GILKENAASS[Met64Thr]TERLREMQSF